The following is an entry in ClinVar:

NM_170606.3(KMT2C):c.7431del (p.His2478fs)

Gene: KMT2C (lysine methyltransferase 2C; minus strand). Cytogenetic location: 7q36.1.
Variant type: Deletion.
Coding change: c.7431del on transcript NM_170606.3 (MANE Select); coding-DNA position 7431, one base deleted (T; older notation c.7431delT).
Protein change: p.His2478fs; shifts the reading frame from histidine 2478.
Molecular consequence: frameshift variant.
Genome position (GRCh38, 1-based): chr7:152,179,845, A deleted on the plus strand (T on the coding strand, the reverse complement: KMT2C is on the minus strand). VCF-style (leftmost placement, unchanged base first): chr7-152179844-GA-G. GRCh37 (hg19) VCF-style: chr7-151876929-GA-G.
Other names: short protein forms H2478fs.
Identifiers: ClinVar variation 1331597 (VCV001331597.4), dbSNP rs2129117914, ClinGen allele CA458688686.

ClinVar aggregate classification (germline): Pathogenic (1 of 4 stars; one submission).

Submission:

Greenwood Genetic Center Diagnostic Laboratories, Greenwood Genetic Center
Classification: Pathogenic. Last evaluated: 2021-03-01. Review status: criteria provided, single submitter. Criteria: ACMG Guidelines, 2015. Collection method: clinical testing. Allele origin: germline. Affected: yes.
Comment: PVS1, PM2, PM6